The following is an entry in ClinVar:

ClinVar aggregate classification (germline): Benign/Likely benign. Review status: criteria provided, multiple submitters, no conflicts (2 of 4 stars). 2 submissions from 2 submitters: Benign (1); Likely benign (1). Last evaluated 2024-11-12.

Conditions:
Renal cell carcinoma. Identifiers: Orphanet 217071, MedGen C0007134, MeSH D002292, MONDO:0005086, HP:0005584.
Papillary renal cell carcinoma type 1 (RCCP1). Also called: RENAL CELL CARCINOMA, PAPILLARY, 1, SOMATIC; Renal adenocarcinoma; Renal cell carcinoma 1; Renal cell carcinoma, somatic. Identifiers: Orphanet 47044, MedGen C1336839, OMIM 605074, HP:0011797.

Submissions (2):

Myriad Genetics, Inc.
Classification: Benign for Papillary renal cell carcinoma type 1. Last evaluated: 2024-11-12. Review status: criteria provided, single submitter. Criteria: Myriad Autosomal Dominant, Autosomal Recessive and X-Linked Classification Criteria (2023). Collection method: clinical testing. Allele origin: unknown.
Comment: This variant is considered benign. This variant is a silent/synonymous amino acid change and it is not expected to impact splicing.

Labcorp Genetics (formerly Invitae), Labcorp
Classification: Likely benign for Renal cell carcinoma. Last evaluated: 2023-01-26. Review status: criteria provided, single submitter. Criteria: Invitae Variant Classification Sherloc (09022015). Collection method: clinical testing. Allele origin: germline.

NM_000245.4(MET):c.3117C>T (p.Asp1039=)

Gene: MET (MET proto-oncogene, receptor tyrosine kinase; plus strand). Cytogenetic location: 7q31.2.
Variant type: single nucleotide variant.
Coding change: c.3117C>T on transcript NM_000245.4 (MANE Select); coding-DNA position 3117, C replaced by T.
Protein change: p.Asp1039=; no amino-acid change (aspartic acid 1039 retained).
Molecular consequence: synonymous variant.
Genome position (GRCh38, 1-based): chr7:116,774,969, C>T. VCF-style: chr7-116774969-C-T. GRCh37 (hg19) VCF-style: chr7-116415023-C-T.
Other names: c.3171C>T, p.Asp1057= (NM_001127500.3); c.1827C>T, p.Asp609= (NM_001324402.2).
Identifiers: ClinVar variation 2832040 (VCV002832040.4), dbSNP rs575907920, ClinGen allele CA457218387.